The following is an entry in ClinVar:

ClinVar aggregate classification (germline): Uncertain significance (1 of 4 stars; one submission).

Submission:

CeGaT Center for Human Genetics Tuebingen
Classification: Uncertain significance. Last evaluated: 2023-01-01. Review status: criteria provided, single submitter. Criteria: CeGaT Center For Human Genetics Tuebingen Variant Classification Criteria Version 2. Collection method: clinical testing. Allele origin: germline. Affected: yes. Observed: 1 variant allele.
Comment: BAZ1A: PM2

NM_013448.3(BAZ1A):c.4540A>G (p.Ser1514Gly)

Gene: BAZ1A (bromodomain adjacent to zinc finger domain 1A; minus strand). Cytogenetic location: 14q13.1.
Variant type: single nucleotide variant.
Coding change: c.4540A>G on transcript NM_013448.3 (MANE Select); coding-DNA position 4540, A replaced by G.
Protein change: p.Ser1514Gly; replaces serine 1514 with glycine.
Molecular consequence: missense variant.
Genome position (GRCh38, 1-based): chr14:34,753,639, T>C on the plus strand (A>G on the coding strand, the complement: BAZ1A is on the minus strand). VCF-style: chr14-34753639-T-C. GRCh37 (hg19) VCF-style: chr14-35222845-T-C.
Other names: c.4444A>G, p.Ser1482Gly (NM_182648.2); short protein forms S1482G, S1514G.
Identifiers: ClinVar variation 2644160 (VCV002644160.24), dbSNP rs2502631106, ClinGen allele CA389425896.